The following is an entry in ClinVar:

ClinVar aggregate classification (germline): Uncertain significance (1 of 4 stars; one submission).

gnomAD v4.1: 25 of 1,613,900 alleles (0.0015%); highest among the groups gnomAD compares: Admixed American, 0.0017%; no homozygotes.

Submission:

Women's Health and Genetics/Laboratory Corporation of America, LabCorp
Classification: Uncertain significance. Last evaluated: 2025-05-06. Review status: criteria provided, single submitter. Criteria: LabCorp Variant Classification Summary - May 2015. Collection method: clinical testing. Allele origin: germline.
Comment: Variant summary: ERBB4 c.3817C>T (p.Arg1273Trp) results in a non-conservative amino acid change in the encoded protein sequence. Algorithms developed to predict the effect of missense changes on protein structure and function are either unavailable or do not agree on the potential impact of this missense change. The variant allele was found at a frequency of 1.2e-05 in 251044 control chromosomes. The available data on variant occurrences in the general population are insufficient to allow any conclusion about variant significance. To our knowledge, no occurrence of c.3817C>T in individuals affected with Amyotrophic Lateral Sclerosis Type 19 and no experimental evidence demonstrating its impact on protein function have been reported. No submitters have cited clinical-significance assessments for this variant to ClinVar. Based on the evidence outlined above, the variant was classified as uncertain significance.

NM_005235.3(ERBB4):c.3817C>T (p.Arg1273Trp)

Gene: ERBB4 (erb-b2 receptor tyrosine kinase 4; minus strand). Cytogenetic location: 2q34.
Variant type: single nucleotide variant.
Coding change: c.3817C>T on transcript NM_005235.3 (MANE Select); coding-DNA position 3817, C replaced by T.
Protein change: p.Arg1273Trp; replaces arginine 1273 with tryptophan.
Molecular consequence: missense variant.
Genome position (GRCh38, 1-based): chr2:211,383,725, G>A on the plus strand (C>T on the coding strand, the complement: ERBB4 is on the minus strand). VCF-style: chr2-211383725-G-A. GRCh37 (hg19) VCF-style: chr2-212248450-G-A.
Other names: c.3769C>T, p.Arg1257Trp (NM_001042599.2); short protein forms R1257W, R1273W.
Identifiers: ClinVar variation 3902485 (VCV003902485.1).
Genomic context (GRCh38, chr2:211,383,725, plus strand): 5'-CTGGCTTCAGGGAGAACTCAGAGAGGTATTCAGGATTCTCTGCCACAATAGGCCGGATCC[G>A]CCCATTCTGTTTATAAAAATATTTTGTGCTGTACTCCTGCAGGTAGTCTGGGTGCTGAAG-3'
Protein context (NP_005226.1, residues 1263-1283): STKYFYKQNG[Arg1273Trp]IRPIVAENPE